The following is an entry in ClinVar:

NM_174936.4(PCSK9):c.731G>A (p.Gly244Asp)

Gene: PCSK9 (proprotein convertase subtilisin/kexin type 9; plus strand). Cytogenetic location: 1p32.3.
Variant type: single nucleotide variant.
Coding change: c.731G>A on transcript NM_174936.4 (MANE Select); coding-DNA position 731, G replaced by A.
Protein change: p.Gly244Asp; replaces glycine 244 with aspartic acid.
Molecular consequence: missense variant. On other transcripts: non-coding transcript variant (8).
Genome position (GRCh38, 1-based): chr1:55,052,723, G>A. VCF-style: chr1-55052723-G-A. GRCh37 (hg19) VCF-style: chr1-55518396-G-A.
Other names: c.356G>A, p.Gly119Asp (NM_001407246.1); c.731G>A, p.Gly244Asp (NM_001407247.1, NM_001407241.1, NM_001407244.1); c.854G>A, p.Gly285Asp (NM_001407240.1); c.734G>A, p.Gly245Asp (NM_001407242.1); c.674G>A, p.Gly225Asp (NM_001407243.1); c.539G>A, p.Gly180Asp (NM_001407245.1); short protein forms G119D, G180D, G225D, G244D, G245D, G285D.
Identifiers: ClinVar variation 3073254 (VCV003073254.3), dbSNP rs370501906, ClinGen allele CA22760435.
Genomic context (GRCh38, chr1:55,052,723, plus strand): 5'-ACAGTCATGGCACCCACCTGGCAGGGGTGGTCAGCGGCCGGGATGCCGGCGTGGCCAAGG[G>A]TGCCAGCATGCGCAGCCTGCGCGTGCTCAACTGCCAAGGGAAGGGCACGGTTAGCGGCAC-3'
Protein context (NP_777596.2, residues 234-254): VSGRDAGVAK[Gly244Asp]ASMRSLRVLN

ClinVar aggregate classification (germline): Uncertain significance. Review status: criteria provided, multiple submitters, no conflicts (2 of 4 stars). 2 submissions from 2 submitters: Uncertain significance (2). Last evaluated 2024-08-06.

Conditions:
Familial hypercholesterolemia. Also called: Familial hypercholesterolemias; Familial hypercholesterolaemia. Identifiers: MedGen C0020445, MONDO:0005439.
Hypercholesterolemia, autosomal dominant, 3 (FHCL3). Also called: Familial Hypercholesterolemia, Autosomal Dominant, 3; PCSK9-Related Familial Hypercholesterolemia, Autosomal Dominant; Familial hypercholesterolemia 3. Identifiers: MedGen C1863551, MONDO:0011369, OMIM 603776.

Allele frequency attached by ClinVar (database versions not stated): gnomAD exomes below 0.00001; gnomAD 0.00001.
gnomAD v4.1: 4 of 1,613,066 alleles (0.00025%); highest among the groups gnomAD compares: South Asian, 0.0022%; no homozygotes.

Submissions (2):

All of Us Research Program, National Institutes of Health
Classification: Uncertain significance for Hypercholesterolemia, autosomal dominant, 3. Last evaluated: 2024-08-06. Review status: criteria provided, single submitter. Criteria: ACMG Guidelines, 2015. Collection method: clinical testing. Allele origin: germline. Inheritance: Autosomal dominant inheritance. Observed: 3 variant alleles, 3 heterozygotes.
Comment: This missense variant replaces glycine with aspartic acid at codon 244 of the PCSK9 protein. Computational prediction suggests that this variant may not impact protein structure and function (internally defined REVEL score threshold <= 0.5, PMID: 27666373). To our knowledge, functional studies have not been reported for this variant. This variant has not been reported in individuals affected with PCSK9-related disorders in the literature. This variant has been identified in 3/249144 chromosomes in the general population by the Genome Aggregation Database (gnomAD). The available evidence is insufficient to determine the role of this variant in disease conclusively. Therefore, this variant is classified as a Variant of Uncertain Significance.

This study involves interpretation of variants in research participants for the purpose of population health screening. Participant phenotype was not available at the time of variant classification. Additional details can be found in publication PMID: 35346344, PMCID: PMC8962531

Color Diagnostics, LLC DBA Color Health
Classification: Uncertain significance for Familial hypercholesterolemia. Last evaluated: 2023-11-15. Review status: criteria provided, single submitter. Criteria: ACMG Guidelines, 2015. Collection method: clinical testing. Allele origin: germline.
Comment: This missense variant replaces glycine with aspartic acid at codon 244 of the PCSK9 protein. Computational prediction suggests that this variant may not impact protein structure and function. To our knowledge, functional studies have not been reported for this variant. This variant has not been reported in individuals affected with PCSK9-related disorders in the literature. This variant has been identified in 3/249144 chromosomes in the general population by the Genome Aggregation Database (gnomAD). The available evidence is insufficient to determine the role of this variant in disease conclusively. Therefore, this variant is classified as a Variant of Uncertain Significance.